The following is an entry in ClinVar:

ClinVar aggregate classification (germline): Uncertain significance (1 of 4 stars; one submission).

Allele frequency attached by ClinVar (database versions not stated): gnomAD exomes below 0.00001; ExAC 0.00001.
gnomAD v4.1: 2 of 1,614,166 alleles (0.00012%); highest among the groups gnomAD compares: East Asian, 0.0022%; no homozygotes.

Submission:

Ambry Genetics
Classification: Uncertain significance. Last evaluated: 2023-10-24. Review status: criteria provided, single submitter. Criteria: Ambry Variant Classification Scheme 2023. Collection method: clinical testing. Allele origin: germline.
Comment: The p.R413G variant (also known as c.1237A>G), located in coding exon 7 of the GALNT12 gene, results from an A to G substitution at nucleotide position 1237. The arginine at codon 413 is replaced by glycine, an amino acid with dissimilar properties. This amino acid position is highly conserved in available vertebrate species. In addition, this alteration is predicted to be deleterious by in silico analysis. The evidence for this gene-disease relationship is limited; therefore, the clinical significance of this alteration is unclear.

NM_024642.5(GALNT12):c.1237A>G (p.Arg413Gly)

Gene: GALNT12 (polypeptide N-acetylgalactosaminyltransferase 12; plus strand). Cytogenetic location: 9q22.33.
Variant type: single nucleotide variant.
Coding change: c.1237A>G on transcript NM_024642.5 (MANE Select); coding-DNA position 1237, A replaced by G.
Protein change: p.Arg413Gly; replaces arginine 413 with glycine.
Molecular consequence: missense variant.
Genome position (GRCh38, 1-based): chr9:98,840,026, A>G. VCF-style: chr9-98840026-A-G. GRCh37 (hg19) VCF-style: chr9-101602308-A-G.
Other names: short protein forms R413G.
Identifiers: ClinVar variation 3227908 (VCV003227908.1), dbSNP rs763368999, ClinGen allele CA5154212.